The following is an entry in ClinVar:

ClinVar aggregate classification (germline): Uncertain significance (1 of 4 stars; one submission).

Submission:

Women's Health and Genetics/Laboratory Corporation of America, LabCorp
Classification: Uncertain significance. Last evaluated: 2026-01-23. Review status: criteria provided, single submitter. Criteria: LabCorp Variant Classification Summary - May 2015. Collection method: clinical testing. Allele origin: germline.
Comment: Variant summary: GAA c.844G>A (p.Asp282Asn) results in a conservative amino acid change in the encoded protein sequence. Algorithms developed to predict the effect of missense changes on protein structure and function are either unavailable or do not agree on the potential impact of this missense change. The variant allele was found at a frequency of 4.1e-06 in 246696 control chromosomes. The available data on variant occurrences in the general population are insufficient to allow any conclusion about variant significance. To our knowledge, no occurrence of c.844G>A in individuals affected with GAA-related conditions and no experimental evidence demonstrating its impact on protein function have been reported. No submitters have cited clinical-significance assessments for this variant to ClinVar. Based on the evidence outlined above, the variant was classified as uncertain significance.

NM_000152.5(GAA):c.844G>A (p.Asp282Asn)

Gene: GAA (alpha glucosidase; plus strand). Cytogenetic location: 17q25.3.
Variant type: single nucleotide variant.
Coding change: c.844G>A on transcript NM_000152.5 (MANE Select); coding-DNA position 844, G replaced by A.
Protein change: p.Asp282Asn; replaces aspartic acid 282 with asparagine.
Molecular consequence: missense variant.
Genome position (GRCh38, 1-based): chr17:80,107,708, G>A. VCF-style: chr17-80107708-G-A. GRCh37 (hg19) VCF-style: chr17-78081507-G-A.
Other names: c.844G>A, p.Asp282Asn (NM_001079803.3, NM_001079804.3, NM_001406741.1 and 1 more transcripts); short protein forms D282N.
Identifiers: ClinVar variation 4689745 (VCV004689745.1).